The following is an entry in ClinVar:

NM_001384140.1(PCDH15):c.451A>G (p.Ser151Gly)

Gene: PCDH15 (protocadherin related 15; minus strand). Cytogenetic location: 10q21.1.
Variant type: single nucleotide variant.
Coding change: c.451A>G on transcript NM_001384140.1 (MANE Select); coding-DNA position 451, A replaced by G.
Protein change: p.Ser151Gly; replaces serine 151 with glycine.
Molecular consequence: missense variant.
Genome position (GRCh38, 1-based): chr10:54,369,143, T>C on the plus strand (A>G on the coding strand, the complement: PCDH15 is on the minus strand). VCF-style: chr10-54369143-T-C. GRCh37 (hg19) VCF-style: chr10-56128903-T-C.
Other names: c.466A>G, p.Ser156Gly (NM_001142763.2, NM_001142769.4, NM_001142771.2); c.451A>G, p.Ser151Gly (NM_001142764.2, NM_001142765.2, NM_001142766.2 and 8 more transcripts); c.385A>G, p.Ser129Gly (NM_001142768.2, NM_001142773.2, NM_001354404.2); short protein forms S151G, S129G, S156G.
Identifiers: ClinVar variation 1353414 (VCV001353414.6), dbSNP rs373042793, ClinGen allele CA376542112.

ClinVar aggregate classification (germline): Uncertain significance (1 of 4 stars; one submission).

Submission:

Labcorp Genetics (formerly Invitae), Labcorp
Classification: Uncertain significance. Last evaluated: 2024-02-05. Review status: criteria provided, single submitter. Criteria: Invitae Variant Classification Sherloc (09022015). Collection method: clinical testing. Allele origin: germline.
Comment: This sequence change replaces serine, which is neutral and polar, with glycine, which is neutral and non-polar, at codon 151 of the PCDH15 protein (p.Ser151Gly). This variant is not present in population databases (gnomAD no frequency). This variant has not been reported in the literature in individuals affected with PCDH15-related conditions. ClinVar contains an entry for this variant (Variation ID: 1353414). Advanced modeling of protein sequence and biophysical properties (such as structural, functional, and spatial information, amino acid conservation, physicochemical variation, residue mobility, and thermodynamic stability) performed at Invitae indicates that this missense variant is not expected to disrupt PCDH15 protein function with a negative predictive value of 80%. In summary, the available evidence is currently insufficient to determine the role of this variant in disease. Therefore, it has been classified as a Variant of Uncertain Significance.